The following is an entry in ClinVar:

ClinVar aggregate classification (germline): Uncertain significance (1 of 4 stars; one submission).

Allele frequency attached by ClinVar (database versions not stated): gnomAD 0.00001.
gnomAD v4.1: 15 of 1,614,084 alleles (0.00093%); highest among the groups gnomAD compares: Non-Finnish European, 0.0012%; no homozygotes.

Submission:

CeGaT Center for Human Genetics Tuebingen
Classification: Uncertain significance. Last evaluated: 2022-04-01. Review status: criteria provided, single submitter. Criteria: CeGaT Center For Human Genetics Tuebingen Variant Classification Criteria Version 2. Collection method: clinical testing. Allele origin: germline. Affected: yes. Observed: 1 variant allele.
Comment: TP63: PM1, PM2, PP3

NM_003722.5(TP63):c.521C>T (p.Pro174Leu)

Gene: TP63 (tumor protein p63; plus strand). Cytogenetic location: 3q28.
Variant type: single nucleotide variant.
Coding change: c.521C>T on transcript NM_003722.5 (MANE Select); coding-DNA position 521, C replaced by T.
Protein change: p.Pro174Leu; replaces proline 174 with leucine.
Molecular consequence: missense variant. On other transcripts: intron variant (2).
Genome position (GRCh38, 1-based): chr3:189,808,468, C>T. VCF-style: chr3-189808468-C-T. GRCh37 (hg19) VCF-style: chr3-189526257-C-T.
Other names: c.521C>T, p.Pro174Leu (NM_001329144.2, NM_001329148.2, NM_001114979.2 and 1 more transcripts); c.239C>T, p.Pro80Leu (NM_001329145.2, NM_001329149.2, NM_001114980.2 and 2 more transcripts); c.515C>T, p.Pro172Leu (NM_001329964.2); c.42+18626C>T (NM_001329146.2, NM_001329150.2); short protein forms P172L, P174L, P80L.
Identifiers: ClinVar variation 1695089 (VCV001695089.31), dbSNP rs201188464, ClinGen allele CA89711690.